The following is an entry in ClinVar:

NM_001558.4(IL10RA):c.540C>T (p.Phe180=)

Gene: IL10RA (interleukin 10 receptor subunit alpha; plus strand). Cytogenetic location: 11q23.3.
Variant type: single nucleotide variant.
Coding change: c.540C>T on transcript NM_001558.4 (MANE Select); coding-DNA position 540, C replaced by T.
Protein change: p.Phe180=; no amino-acid change (phenylalanine 180 retained).
Molecular consequence: synonymous variant. On other transcripts: non-coding transcript variant (1).
Genome position (GRCh38, 1-based): chr11:117,994,001, C>T. VCF-style: chr11-117994001-C-T. GRCh37 (hg19) VCF-style: chr11-117864716-C-T.
Identifiers: ClinVar variation 1711327 (VCV001711327.30), dbSNP rs2496782401, ClinGen allele CA477072322.

ClinVar aggregate classification (germline): Likely benign (1 of 4 stars; one submission).

Submission:

CeGaT Center for Human Genetics Tuebingen
Classification: Likely benign. Last evaluated: 2022-08-01. Review status: criteria provided, single submitter. Criteria: CeGaT Center For Human Genetics Tuebingen Variant Classification Criteria Version 2. Collection method: clinical testing. Allele origin: germline. Affected: yes. Observed: 1 variant allele.
Comment: IL10RA: PM2:Supporting, BP4, BP7